The following is an entry in ClinVar:

ClinVar aggregate classification (germline): Uncertain significance (1 of 4 stars; one submission).

Submission:

Labcorp Genetics (formerly Invitae), Labcorp
Classification: Uncertain significance. Last evaluated: 2024-07-22. Review status: criteria provided, single submitter. Criteria: Invitae Variant Classification Sherloc (09022015). Collection method: clinical testing. Allele origin: germline.
Comment: This sequence change replaces isoleucine, which is neutral and non-polar, with valine, which is neutral and non-polar, at codon 647 of the DNM1L protein (p.Ile647Val). This variant is not present in population databases (gnomAD no frequency). This variant has not been reported in the literature in individuals affected with DNM1L-related conditions. An algorithm developed to predict the effect of missense changes on protein structure and function (PolyPhen-2) suggests that this variant is likely to be disruptive. In summary, the available evidence is currently insufficient to determine the role of this variant in disease. Therefore, it has been classified as a Variant of Uncertain Significance.

NM_012062.5(DNM1L):c.1939A>G (p.Ile647Val)

Gene: DNM1L (dynamin 1 like; plus strand). Cytogenetic location: 12p11.21.
Variant type: single nucleotide variant.
Coding change: c.1939A>G on transcript NM_012062.5 (MANE Select); coding-DNA position 1939, A replaced by G.
Protein change: p.Ile647Val; replaces isoleucine 647 with valine.
Molecular consequence: missense variant.
Genome position (GRCh38, 1-based): chr12:32,740,463, A>G. VCF-style: chr12-32740463-A-G. GRCh37 (hg19) VCF-style: chr12-32893397-A-G.
Other names: c.1906A>G, p.Ile636Val (NM_001278463.2); c.1978A>G, p.Ile660Val (NM_001278464.2); c.1945A>G, p.Ile649Val (NM_001278465.2); c.1330A>G, p.Ile444Val (NM_001278466.2); c.1867A>G, p.Ile623Val (NM_001330380.2); c.1828A>G, p.Ile610Val (NM_005690.5); c.1861A>G, p.Ile621Val (NM_012063.4); short protein forms I444V, I610V, I621V, I623V, I649V, I636V, I660V, I647V.
Identifiers: ClinVar variation 3660182 (VCV003660182.2).